The following is an entry in ClinVar:

NM_183381.3(RNF13):c.50C>T (p.Thr17Ile)

Gene: RNF13 (ring finger protein 13; plus strand). Cytogenetic location: 3q25.1.
Variant type: single nucleotide variant.
Coding change: c.50C>T on transcript NM_183381.3 (MANE Select); coding-DNA position 50, C replaced by T.
Protein change: p.Thr17Ile; replaces threonine 17 with isoleucine.
Molecular consequence: missense variant. On other transcripts: 5 prime UTR variant (4), non-coding transcript variant (1), intron variant (2).
Genome position (GRCh38, 1-based): chr3:149,846,076, C>T. VCF-style: chr3-149846076-C-T. GRCh37 (hg19) VCF-style: chr3-149563863-C-T.
Other names: c.50C>T, p.Thr17Ile (NM_001378285.1, NM_001378286.1, NM_007282.4); c.-318C>T (NM_001378287.1, NM_001378288.1, NM_001378289.1 and 1 more transcripts); c.-253-6440C>T (NM_183383.2); c.-279-6440C>T (NM_001378291.1); short protein forms T17I.
Identifiers: ClinVar variation 2778159 (VCV002778159.3), dbSNP rs2473178321, ClinGen allele CA355011582.

ClinVar aggregate classification (germline): Uncertain significance (1 of 4 stars; one submission).

Submission:

Labcorp Genetics (formerly Invitae), Labcorp
Classification: Uncertain significance. Last evaluated: 2023-09-15. Review status: criteria provided, single submitter. Criteria: Invitae Variant Classification Sherloc (09022015). Collection method: clinical testing. Allele origin: germline.
Comment: In summary, the available evidence is currently insufficient to determine the role of this variant in disease. Therefore, it has been classified as a Variant of Uncertain Significance. An algorithm developed to predict the effect of missense changes on protein structure and function (PolyPhen-2) suggests that this variant is likely to be tolerated. This variant has not been reported in the literature in individuals affected with RNF13-related conditions. This variant is not present in population databases (gnomAD no frequency). This sequence change replaces threonine, which is neutral and polar, with isoleucine, which is neutral and non-polar, at codon 17 of the RNF13 protein (p.Thr17Ile).